The following is an entry in ClinVar:

ClinVar aggregate classification (germline): Uncertain significance (1 of 4 stars; one submission).

Conditions:
EHMT1-related disorder. Also called: EHMT1-related condition.

Allele frequency attached by ClinVar (database versions not stated): gnomAD exomes below 0.00001; ExAC 0.00002.
gnomAD v4.1: 2 of 1,613,284 alleles (0.00012%); highest among the groups gnomAD compares: Non-Finnish European, 0.000085%; no homozygotes.

Submission:

PreventionGenetics, part of Exact Sciences
Classification: Uncertain significance for EHMT1-related condition. Last evaluated: 2022-12-20. Review status: criteria provided, single submitter. Criteria: ACMG Guidelines, 2015. Collection method: clinical testing. Allele origin: germline.
Comment: The EHMT1 c.3590G>A variant is predicted to result in the amino acid substitution p.Arg1197Gln. To our knowledge, this variant has not been reported in the literature. This variant is reported in 0.0018% of alleles in individuals of European (Non-Finnish) descent in gnomAD (2 alleles). A different missense variant affecting the same amino acid has been reported in multiple individuals with Kleefstra syndrome (see for example, Willemsen et al. 2012. PubMed ID: 22670141). At this time, the clinical significance of the c.3590G>A (p.Arg1197Gln) variant is uncertain due to the absence of conclusive functional and genetic evidence.

NM_024757.5(EHMT1):c.3590G>A (p.Arg1197Gln)

Gene: EHMT1 (euchromatic histone lysine methyltransferase 1; plus strand). Cytogenetic location: 9q34.3.
Variant type: single nucleotide variant.
Coding change: c.3590G>A on transcript NM_024757.5 (MANE Select); coding-DNA position 3590, G replaced by A.
Protein change: p.Arg1197Gln; replaces arginine 1197 with glutamine.
Molecular consequence: missense variant.
Genome position (GRCh38, 1-based): chr9:137,834,398, G>A. VCF-style: chr9-137834398-G-A. GRCh37 (hg19) VCF-style: chr9-140728850-G-A.
Other names: c.3569G>A, p.Arg1190Gln (NM_001354263.2); short protein forms R1190Q, R1197Q.
Identifiers: ClinVar variation 2629752 (VCV002629752.1), dbSNP rs11539626, ClinGen allele CA5375394.